The following is an entry in ClinVar:

ClinVar aggregate classification (germline): Uncertain significance (1 of 4 stars; one submission).

gnomAD v4.1: 5 of 1,613,476 alleles (0.00031%); highest among the groups gnomAD compares: Non-Finnish European, 0.00042%; no homozygotes.

Submission:

Labcorp Genetics (formerly Invitae), Labcorp
Classification: Uncertain significance. Last evaluated: 2022-11-22. Review status: criteria provided, single submitter. Criteria: Invitae Variant Classification Sherloc (09022015). Collection method: clinical testing. Allele origin: germline.
Comment: In summary, the available evidence is currently insufficient to determine the role of this variant in disease. Therefore, it has been classified as a Variant of Uncertain Significance. Algorithms developed to predict the effect of missense changes on protein structure and function are either unavailable or do not agree on the potential impact of this missense change (SIFT: "Not Available"; PolyPhen-2: "Possibly Damaging"; Align-GVGD: "Not Available"). ClinVar contains an entry for this variant (Variation ID: 1055549). This variant has not been reported in the literature in individuals affected with ADAMTS18-related conditions. This variant is not present in population databases (gnomAD no frequency). This sequence change replaces arginine, which is basic and polar, with proline, which is neutral and non-polar, at codon 902 of the ADAMTS18 protein (p.Arg902Pro).

NM_199355.4(ADAMTS18):c.2705G>C (p.Arg902Pro)

Gene: ADAMTS18 (ADAM metallopeptidase with thrombospondin type 1 motif 18; minus strand). Cytogenetic location: 16q23.1.
Variant type: single nucleotide variant.
Coding change: c.2705G>C on transcript NM_199355.4 (MANE Select); coding-DNA position 2705, G replaced by C.
Protein change: p.Arg902Pro; replaces arginine 902 with proline.
Molecular consequence: missense variant.
Genome position (GRCh38, 1-based): chr16:77,297,385, C>G on the plus strand (G>C on the coding strand, the complement: ADAMTS18 is on the minus strand). VCF-style: chr16-77297385-C-G. GRCh37 (hg19) VCF-style: chr16-77331282-C-G.
Other names: c.2189G>C, p.Arg730Pro (NM_001326358.2); short protein forms R730P, R902P.
Identifiers: ClinVar variation 1055549 (VCV001055549.9), dbSNP rs144292157, ClinGen allele CA396834266.